The following is an entry in ClinVar:

NM_152381.6(XIRP2):c.869A>G (p.His290Arg)

Gene: XIRP2 (xin actin binding repeat containing 2; plus strand). Cytogenetic location: 2q24.3.
Variant type: single nucleotide variant.
Coding change: c.869A>G on transcript NM_152381.6 (MANE Select); coding-DNA position 869, A replaced by G.
Protein change: p.His290Arg; replaces histidine 290 with arginine.
Molecular consequence: missense variant.
Genome position (GRCh38, 1-based): chr2:167,239,865, A>G. VCF-style: chr2-167239865-A-G. GRCh37 (hg19) VCF-style: chr2-168096375-A-G.
Other names: c.869A>G, p.His290Arg (NM_001079810.4); c.968A>G, p.His323Arg (NM_001199143.2); c.203A>G, p.His68Arg (NM_001199144.2, NM_001199145.2); c.869A>G (NM_152381.5); short protein forms H290R, H323R, H68R.
Identifiers: ClinVar variation 722353 (VCV000722353.6), dbSNP rs186257471, ClinGen allele CA1946301.

ClinVar aggregate classification (germline): Likely benign. Review status: criteria provided, single submitter (1 of 4 stars). 2 submissions from 2 submitters: Likely benign (1). 1 of the submissions does not count toward it. Last evaluated 2019-12-31.

Conditions:
XIRP2-related disorder. Also called: XIRP2-related condition.

Allele frequency attached by ClinVar (database versions not stated): gnomAD exomes 0.00011 and 0.00036; ESP Exome Variant Server 0.00117; TOPMed 0.00128; 1000 Genomes Project 0.00220; gnomAD 0.00110 and 0.00116; ExAC 0.00050; 1000 Genomes Project 30x 0.00234.
gnomAD v4.1: 338 of 1,608,470 alleles (0.021%); highest among the groups gnomAD compares: African/African-American, 0.36%; 4 homozygotes.

Submissions (2):

Labcorp Genetics (formerly Invitae), Labcorp
Classification: Likely benign. Last evaluated: 2019-12-31. Review status: criteria provided, single submitter. Criteria: Invitae Variant Classification Sherloc (09022015). Collection method: clinical testing. Allele origin: germline.

PreventionGenetics, part of Exact Sciences
Classification: Likely benign for XIRP2-related condition. Last evaluated: 2019-10-16. Review status: no assertion criteria provided. Collection method: clinical testing. Allele origin: germline. Not counted in ClinVar's aggregate classification.
Comment: This variant is classified as likely benign based on ACMG/AMP sequence variant interpretation guidelines (Richards et al. 2015 PMID: 25741868, with internal and published modifications).